The following is an entry in ClinVar:

NM_000057.4(BLM):c.2593T>C (p.Tyr865His)

Gene: BLM (BLM RecQ like helicase; plus strand). Cytogenetic location: 15q26.1.
Variant type: single nucleotide variant.
Coding change: c.2593T>C on transcript NM_000057.4 (MANE Select); coding-DNA position 2593, T replaced by C.
Protein change: p.Tyr865His; replaces tyrosine 865 with histidine.
Molecular consequence: missense variant.
Genome position (GRCh38, 1-based): chr15:90,782,859, T>C. VCF-style: chr15-90782859-T-C. GRCh37 (hg19) VCF-style: chr15-91326089-T-C.
Other names: c.2593T>C, p.Tyr865His (NM_001287246.2, NM_001287247.2); c.1468T>C, p.Tyr490His (NM_001287248.2); short protein forms Y865H, Y490H.
Identifiers: ClinVar variation 1793552 (VCV001793552.4), dbSNP rs2505495345, ClinGen allele CA393845670.
Genomic context (GRCh38, chr15:90,782,859, plus strand): 5'-TTTTATGTTTGGGACTTTTTTAGGTTTAGCATGAGCTTTAACAGACATAATCTGAAATAC[T>C]ATGTATTACCGAAAAAGCCTAAAAAGGTGGCATTTGATTGCCTAGAATGGATCAGAAAGC-3'
Protein context (NP_000048.1, residues 855-875): MSFNRHNLKY[Tyr865His]VLPKKPKKVA

ClinVar aggregate classification (germline): Uncertain significance. Review status: criteria provided, multiple submitters, no conflicts (2 of 4 stars). 2 submissions from 2 submitters: Uncertain significance (2). Last evaluated 2024-02-25.

Conditions:
Hereditary cancer-predisposing syndrome. Also called: Tumor predisposition; Hereditary Cancer Syndrome; Neoplastic Syndromes, Hereditary; Hereditary neoplastic syndrome. Identifiers: Orphanet 140162, MedGen C0027672, MeSH D009386, MONDO:0015356.
Bloom syndrome (BLM). Also called: Bloom-Torre-Machacek syndrome. Identifiers: Orphanet 125, MedGen C0005859, MONDO:0008876, OMIM 210900.

Submissions (2):

Labcorp Genetics (formerly Invitae), Labcorp
Classification: Uncertain significance for Bloom syndrome. Last evaluated: 2024-02-25. Review status: criteria provided, single submitter. Criteria: Invitae Variant Classification Sherloc (09022015). Collection method: clinical testing. Allele origin: germline.
Comment: This sequence change replaces tyrosine, which is neutral and polar, with histidine, which is basic and polar, at codon 865 of the BLM protein (p.Tyr865His). This variant is not present in population databases (gnomAD no frequency). This variant has not been reported in the literature in individuals affected with BLM-related conditions. ClinVar contains an entry for this variant (Variation ID: 1793552). Advanced modeling of protein sequence and biophysical properties (such as structural, functional, and spatial information, amino acid conservation, physicochemical variation, residue mobility, and thermodynamic stability) performed at Invitae indicates that this missense variant is not expected to disrupt BLM protein function with a negative predictive value of 80%. In summary, the available evidence is currently insufficient to determine the role of this variant in disease. Therefore, it has been classified as a Variant of Uncertain Significance.

Ambry Genetics
Classification: Uncertain significance for Hereditary cancer-predisposing syndrome. Last evaluated: 2021-02-02. Review status: criteria provided, single submitter. Criteria: Ambry Variant Classification Scheme 2023. Collection method: clinical testing. Allele origin: germline.
Comment: The p.Y865H variant (also known as c.2593T>C), located in coding exon 12 of the BLM gene, results from a T to C substitution at nucleotide position 2593. The tyrosine at codon 865 is replaced by histidine, an amino acid with similar properties. This amino acid position is not well conserved in available vertebrate species. In addition, this alteration is predicted to be tolerated by in silico analysis. Since supporting evidence is limited at this time, the clinical significance of this alteration remains unclear.